The following is an entry in ClinVar:

NM_000243.3(MEFV):c.2082G>A (p.Met694Ile)

Genes: MEFV (MEFV innate immunity regulator, pyrin; minus strand), LOC126862264 (CDK7 strongly-dependent group 2 enhancer GRCh37_chr16:3293322-3294521; plus strand). Cytogenetic location: 16p13.3.
Variant type: single nucleotide variant.
Coding change: c.2082G>A on transcript NM_000243.3 (MANE Select); coding-DNA position 2082, G replaced by A.
Protein change: p.Met694Ile; replaces methionine 694 with isoleucine.
Molecular consequence: missense variant. On other transcripts: 3 prime UTR variant (1).
Genome position (GRCh38, 1-based): chr16:3,243,405, C>T on the plus strand (G>A on the coding strand, the complement: MEFV is on the minus strand). VCF-style: chr16-3243405-C-T. GRCh37 (hg19) VCF-style: chr16-3293405-C-T.
Other names: M694I; c.*286G>A (NM_001198536.2).
Identifiers: ClinVar variation 2539 (VCV000002539.134), dbSNP rs28940578, ClinGen allele CA280093.

ClinVar aggregate classification (germline): Pathogenic/Likely pathogenic. Review status: criteria provided, multiple submitters, no conflicts (2 of 4 stars). 46 submissions from 44 submitters: Pathogenic (38); Likely pathogenic (1). 7 of the submissions do not count toward it. Last evaluated 2026-08-06.

Conditions:
Familial Mediterranean fever (FMF). Also called: Periodic peritonitis; Benign paroxysmal peritonitis; POLYSEROSITIS, FAMILIAL PAROXYSMAL; POLYSEROSITIS, RECURRENT. Identifiers: Orphanet 342, MedGen C0031069, MONDO:0018088, OMIM 249100. Disease mechanism: gain of function.
Familial Mediterranean fever, autosomal dominant. Also called: FMF, AUTOSOMAL DOMINANT; Dominant Familial Mediterranean Fever. Identifiers: Orphanet 342, MedGen C1851347, MONDO:0007601, OMIM 134610.
Acute febrile neutrophilic dermatosis (AFND). Also called: Sweet Syndrome; Gomm Button disease. Identifiers: Orphanet 3243, MedGen C0085077, MONDO:0011959, OMIM 608068.
MEFV-related disorder. Also called: MEFV-related disorders; MEFV-related condition.
Autoinflammatory syndrome. Identifiers: Orphanet 93665, MedGen C3890737, MONDO:0019751.

Allele frequency attached by ClinVar (database versions not stated): gnomAD exomes 0.00008 and 0.00014; gnomAD 0.00007 and 0.00006; ExAC 0.00015; TOPMed 0.00007.
gnomAD v4.1: 134 of 1,614,176 alleles (0.0083%); highest among the groups gnomAD compares: Middle Eastern, 0.18%; no homozygotes.

Submissions 1 to 12 of 46:

OLLIN Analises Genomicas, OLLIN
Classification: Pathogenic for Familial Mediterranean fever, autosomal dominant. Last evaluated: 2026-08-06. Review status: criteria provided, single submitter. Criteria: ACMG Guidelines 2015 PMID 25741868. Collection method: clinical testing. Allele origin: germline. Inheritance: Autosomal dominant inheritance.
Comment: This missense variant, located in exon 10 (of 10), has been reported in ClinVar (accession VCV000002555.2), in gnomAD with an allele frequency of 0.0083%, and in the scientific literature, segregating with the phenotype and in compound heterozygosity, in individuals with MEFV related disorders (PMID: 24318677, 39882210, 39462592, 38488998). In silico analysis is inconclusive regarding the impact of this variant; however, functional studies suggest that it may affect protein function (PMID: 24318677). Another pathogenic variant affecting the same amino acid residue has been reported. According to the currently available evidence, this variant has been classified as pathogenic (PS3_P, PM2_P, PM3_VS, PM5, PP1).

PreventionGenetics, part of Exact Sciences
Classification: Pathogenic for MEFV-related condition. Last evaluated: 2026-07-01. Review status: criteria provided, single submitter. Criteria: ACMG Guidelines, 2015. Collection method: clinical testing. Allele origin: germline.
Comment: The MEFV c.2082G>A variant is predicted to result in the amino acid substitution p.Met694Ile. This variant has previously been reported to be causative for familial Mediterranean fever (Gershoni-Baruch et al. 2002. PubMed ID: 11938447; Moradian et al. 2014. PubMed ID: 23907647; Cazeneuve et al. 1999. PubMed ID: 10364520). An in vitro model has shown that this variant impacts cell survival (Honda et al. 2021. PubMed ID 33733382). This variant is reported in 0.048% of alleles in individuals of Latino descent in gnomAD. This variant is interpreted as pathogenic.

CeGaT Center for Human Genetics Tuebingen
Classification: Pathogenic. Last evaluated: 2026-03-01. Review status: criteria provided, single submitter. Criteria: CeGaT Center For Human Genetics Tuebingen Variant Classification Criteria Version 2. Collection method: clinical testing. Allele origin: germline. Affected: yes. Observed: 35 variant alleles.
Comment: MEFV: PM3:Very Strong, PM1, PM5, PM2:Supporting, PS3:Supporting, BP4

Labcorp Genetics (formerly Invitae), Labcorp
Classification: Pathogenic for Familial Mediterranean fever. Last evaluated: 2026-01-30. Review status: criteria provided, single submitter. Criteria: Invitae Variant Classification Sherloc (09022015). Collection method: clinical testing. Allele origin: germline.
Comment: This sequence change replaces methionine, which is neutral and non-polar, with isoleucine, which is neutral and non-polar, at codon 694 of the MEFV protein (p.Met694Ile). This variant is present in population databases (rs28940578, gnomAD 0.05%). This missense change has been observed in individuals with familial Mediterranean fever (PMID: 10787449, 12064853, 15168590, 15805719, 20051664). It has also been observed to segregate with disease in related individuals. ClinVar contains an entry for this variant (Variation ID: 2539). An algorithm developed to predict the effect of missense changes on protein structure and function (PolyPhen-2) suggests that this variant is likely to be tolerated. Experimental studies have shown that this missense change affects MEFV function (PMID: 24318677). This variant disrupts the p.Met694 amino acid residue in MEFV. Other variant(s) that disrupt this residue have been determined to be pathogenic (PMID: 9781020, 10364520, 12064853, 21290976, 22037353). This suggests that this residue is clinically significant, and that variants that disrupt this residue are likely to be disease-causing. For these reasons, this variant has been classified as Pathogenic.

3billion
Classification: Pathogenic for Familial Mediterranean fever. Last evaluated: 2025-12-10. Review status: criteria provided, single submitter. Criteria: ACMG Guidelines, 2015. Collection method: clinical testing. Allele origin: germline. Affected: yes.
Comment: The variant is observed at an extremely low frequency in the gnomAD v4.1.0 dataset (total allele frequency: 0.008%). Predicted Consequence/Location: Missense variant Functional studies provide supporting evidence of the variant having a damaging effect on the gene or gene product (PMID: 24318677). The same nucleotide change resulting in the same amino acid change has been previously reported as pathogenic/likely pathogenic with strong evidence (ClinVar ID: VCV000002539 /PMID: 9288094 /3billion dataset). The variant has been observed in multiple (>3) similarly affected unrelated individuals (PMID: 10612841, 16378925). The variant has been reported to be in trans with a pathogenic variant as either compound heterozygous or homozygous in at least one similarly affected unrelated individual (PMID: 16378925). The variant has been reported to co-segregate with the disease in at least one similarly affected relative/individual in the same family or similarly affected unrelated families (PMID: 12064853). Different missense changes at the same codon (p.Met694Lys, p.Met694Val) have been reported as pathogenic/likely pathogenic with strong evidence (ClinVar ID: VCV000002538, VCV000449657 /PMID: 23031807, 9288758 /3billion dataset). Therefore, this variant is classified as Pathogenic according to the recommendation of ACMG/AMP guideline.

Natera, Inc.
Classification: Pathogenic for Familial Mediterranean fever. Last evaluated: 2025-10-08. Review status: criteria provided, single submitter. Criteria: Natera Variant Classification Schema (03/2026). Collection method: clinical testing. Allele origin: germline.
Comment: The c.2082G>A variant in MEFV is a missense variant predicted to cause substitution of methionine to isoleucine at amino acid 694. This variant is rare in the general population with a frequency below the threshold expected for the associated phenotype(s). This variant has been observed in one or more individuals affected with the associated recessive disease, as either homozygous or compound heterozygous with a second variant (PMID: 12064853, 15942916). Additionally, this variant has been observed to segregate in affected family members (PMID: 12064853). Multiple computational prediction algorithms suggest this variant is unlikely to affect gene or protein function. Given the available evidence, this variant is classified as Pathogenic.

Mayo Clinic Laboratories, Mayo Clinic
Classification: Pathogenic. Last evaluated: 2025-04-25. Review status: criteria provided, single submitter. Criteria: ACMG Guidelines, 2015. Collection method: clinical testing. Allele origin: germline. Observed: 3 variant alleles.
Comment: PP1, PM1, PM3_very_strong, PM5, PS3, PS4

First Genomix Gene Laboratory, Genetic Diagnostics Department
Classification: Pathogenic for Familial Mediterranean fever. Last evaluated: 2025-03-18. Review status: criteria provided, single submitter. Criteria: ACMG Guidelines, 2015. Collection method: clinical testing. Allele origin: germline. Inheritance: Autosomal recessive inheritance. Affected: no. Observed: 1 variant allele.

ARUP Laboratories, Molecular Genetics and Genomics, ARUP Laboratories
Classification: Pathogenic. Last evaluated: 2025-02-03. Review status: criteria provided, single submitter. Criteria: ARUP Molecular Germline Variant Investigation Process 2024. Collection method: clinical testing. Allele origin: germline.
Comment: The MEFV c.2082G>A;p.Met694Ile variant (rs28940578) is reported as a common familial Mediterranean fever (FMF) pathogenic variant (Majeed 2005, Moradian 2014). The variant is listed in the ClinVar database (Variation ID: 2539). This variant is found in the general population with an overall allele frequency of 0.01% (36/282886 alleles) in the Genome Aggregation Database. Considering available information, this variant is classified as pathogenic. References: Majeed HA et al. The spectrum of familial Mediterranean fever gene mutations in Arabs: report of a large series. Semin Arthritis Rheum. 2005. 34(6):813-8. PMID: 15942916 Moradian MM et al. Patient management and the association of less common familial Mediterranean fever symptoms with other disorders. Genet Med. 16(3):258-63. PMID: 23907647

Revvity Omics, Revvity
Classification: Pathogenic. Last evaluated: 2025-01-10. Review status: criteria provided, single submitter. Criteria: ACMG Guidelines, 2015. Collection method: clinical testing. Allele origin: germline.

Blueprint Genetics
Classification: Pathogenic for MEFV-related disorders. Last evaluated: 2024-11-13. Review status: criteria provided, single submitter. Criteria: ACMG Guidelines, 2015. Collection method: clinical testing. Allele origin: germline. Affected: yes. Observed: 5 variant alleles.

Dubai Health Genomic Medicine Center, Dubai Health
Classification: Pathogenic for FAMILIAL MEDITERRANEAN FEVER. Last evaluated: 2024-10-04. Review status: criteria provided, single submitter. Criteria: ACMG Guidelines, 2015. Collection method: research. Allele origin: germline. Affected: yes.
Comment: PM3_VeryStrong, PM2, PS3, PM5